The following is an entry in ClinVar:

ClinVar aggregate classification (germline): Uncertain significance (1 of 4 stars; one submission).

Submission:

GeneDx
Classification: Uncertain significance. Last evaluated: 2023-10-17. Review status: criteria provided, single submitter. Criteria: GeneDx Variant Classification Process June 2021. Collection method: clinical testing. Allele origin: germline.
Comment: Not observed at significant frequency in large population cohorts (gnomAD); In-frame deletion of 2 amino acids in a non-repeat region; In silico analysis supports that this variant does not alter protein structure/function; Has not been previously published as pathogenic or benign to our knowledge

NM_014727.3(KMT2B):c.7629_7634del (p.Glu2543_Glu2544del)

Gene: KMT2B (lysine methyltransferase 2B; plus strand). Cytogenetic location: 19q13.12.
Variant type: Deletion.
Coding change: c.7629_7634del on transcript NM_014727.3 (MANE Select); coding-DNA positions 7629 to 7634, 6 bases deleted (AGAGGA; older notation c.7629_7634delAGAGGA).
Protein change: p.Glu2543_Glu2544del.
Molecular consequence: inframe deletion.
Genome position (GRCh38, 1-based): chr19:35,737,714-35,737,719, AGAGGA deleted; deleting any 6 consecutive bases within chr19:35,737,709-35,737,719 gives the same sequence; the c. name uses the placement nearest the transcript's 3' end. VCF-style (leftmost placement, unchanged base first): chr19-35737708-TGAGGAA-T. GRCh37 (hg19) VCF-style: chr19-36228609-TGAGGAA-T.
Identifiers: ClinVar variation 2503214 (VCV002503214.2), dbSNP rs2513368406, ClinGen allele CA2580613113.